The following is an entry in ClinVar:

NM_001105206.3(LAMA4):c.2782C>G (p.Pro928Ala)

Genes: LAMA4 (laminin subunit alpha 4; minus strand), LOC126859766 (MED14-independent group 3 enhancer GRCh37_chr6:112462018-112463217; plus strand). Cytogenetic location: 6q21.
Variant type: single nucleotide variant.
Coding change: c.2782C>G on transcript NM_001105206.3 (MANE Select); coding-DNA position 2782, C replaced by G.
Protein change: p.Pro928Ala; replaces proline 928 with alanine.
Molecular consequence: missense variant.
Genome position (GRCh38, 1-based): chr6:112,141,389, G>C on the plus strand (C>G on the coding strand, the complement: LAMA4 is on the minus strand). VCF-style: chr6-112141389-G-C. GRCh37 (hg19) VCF-style: chr6-112462591-G-C.
Other names: c.2761C>G, p.Pro921Ala (NM_001105207.3, NM_002290.5); short protein forms P928A, P921A.
Identifiers: ClinVar variation 3690594 (VCV003690594.2).

ClinVar aggregate classification (germline): Uncertain significance (1 of 4 stars; one submission).

Conditions:
Dilated cardiomyopathy 1JJ (CMD1JJ). Identifiers: Orphanet 154, MedGen C3808935, MONDO:0014095, OMIM 615235.

Submission:

Labcorp Genetics (formerly Invitae), Labcorp
Classification: Uncertain significance for Dilated cardiomyopathy 1JJ. Last evaluated: 2024-07-30. Review status: criteria provided, single submitter. Criteria: Invitae Variant Classification Sherloc (09022015). Collection method: clinical testing. Allele origin: germline.
Comment: This sequence change replaces proline, which is neutral and non-polar, with alanine, which is neutral and non-polar, at codon 921 of the LAMA4 protein (p.Pro921Ala). This variant is not present in population databases (gnomAD no frequency). This variant has not been reported in the literature in individuals affected with LAMA4-related conditions. An algorithm developed to predict the effect of missense changes on protein structure and function (PolyPhen-2) suggests that this variant is likely to be disruptive. In summary, the available evidence is currently insufficient to determine the role of this variant in disease. Therefore, it has been classified as a Variant of Uncertain Significance.